The following is an entry in ClinVar:

NM_001378454.1(ALMS1):c.4035_4047del (p.Gln1345fs)

Gene: ALMS1 (ALMS1 centrosome and basal body associated protein; plus strand). Cytogenetic location: 2p13.1.
Variant type: Deletion.
Coding change: c.4035_4047del on transcript NM_001378454.1 (MANE Select); coding-DNA positions 4035 to 4047, 13 bases deleted (ACAGGTCTTGCCA).
Protein change: p.Gln1345fs; shifts the reading frame from glutamine 1345.
Molecular consequence: frameshift variant.
Genome position (GRCh38, 1-based): chr2:73,450,562-73,450,574, ACAGGTCTTGCCA deleted; deleting any 13 consecutive bases within chr2:73,450,559-73,450,574 gives the same sequence; the c. name uses the placement nearest the transcript's 3' end. VCF-style (leftmost placement, unchanged base first): chr2-73450558-ACCAACAGGTCTTG-A. GRCh37 (hg19) VCF-style: chr2-73677685-ACCAACAGGTCTTG-A.
Other names: c.4038_4050del, p.Gln1346fs (NM_015120.4); short protein forms Q1346fs, Q1345fs.
Identifiers: ClinVar variation 2743340 (VCV002743340.3), dbSNP rs753835568, ClinGen allele CA1713626.

ClinVar aggregate classification (germline): Pathogenic (1 of 4 stars; one submission).

Conditions:
Alstrom syndrome (ALMS). Identifiers: Orphanet 64, MedGen C0268425, MONDO:0008763, OMIM 203800.

Submission:

Labcorp Genetics (formerly Invitae), Labcorp
Classification: Pathogenic for Alstrom syndrome. Last evaluated: 2023-03-19. Review status: criteria provided, single submitter. Criteria: Invitae Variant Classification Sherloc (09022015). Collection method: clinical testing. Allele origin: germline.
Comment: This sequence change creates a premature translational stop signal (p.Gln1346Hisfs*10) in the ALMS1 gene. It is expected to result in an absent or disrupted protein product. Loss-of-function variants in ALMS1 are known to be pathogenic (PMID: 17594715). This variant is present in population databases (rs753835568, gnomAD 0.002%). This variant has not been reported in the literature in individuals affected with ALMS1-related conditions. For these reasons, this variant has been classified as Pathogenic.

Literature cited by the submitters: PubMed 17594715.